The following is an entry in ClinVar:

NM_002855.5(NECTIN1):c.596G>A (p.Arg199Gln)

Gene: NECTIN1 (nectin cell adhesion molecule 1; minus strand). Cytogenetic location: 11q23.3.
Variant type: single nucleotide variant.
Coding change: c.596G>A on transcript NM_002855.5 (MANE Select); coding-DNA position 596, G replaced by A.
Protein change: p.Arg199Gln; replaces arginine 199 with glutamine.
Molecular consequence: missense variant.
Genome position (GRCh38, 1-based): chr11:119,677,692, C>T on the plus strand (G>A on the coding strand, the complement: NECTIN1 is on the minus strand). VCF-style: chr11-119677692-C-T. GRCh37 (hg19) VCF-style: chr11-119548402-C-T.
Other names: c.596G>A, p.Arg199Gln (NM_203285.2, NM_203286.2); short protein forms R199Q.
Identifiers: ClinVar variation 709934 (VCV000709934.38), dbSNP rs78809001, ClinGen allele CA6322048.

ClinVar aggregate classification (germline): Conflicting classifications of pathogenicity. Review status: criteria provided, conflicting classifications (1 of 4 stars). 4 submissions from 4 submitters: Uncertain significance (1); Benign (2). 1 of the submissions does not count toward it. Last evaluated 2026-09-01.

Conditions:
NECTIN1-related disorder. Also called: NECTIN1-related condition.
Cleft lip/palate-ectodermal dysplasia syndrome (CLPED1). Also called: Zlotogora syndrome; ECTODERMAL DYSPLASIA, CLEFT LIP AND PALATE, MENTAL RETARDATION, AND SYNDACTYLY; ECTODERMAL DYSPLASIA, MARGARITA ISLAND TYPE; ECTODERMAL DYSPLASIA, TYPE 4; ZLOTOGORA-OGUR SYNDROME. Identifiers: Orphanet 3253, MedGen C2931488, MONDO:0009151, OMIM 225060.

Allele frequency attached by ClinVar (database versions not stated): 1000 Genomes Project 0.00339; 1000 Genomes Project 30x 0.00406; ExAC 0.00737; gnomAD exomes 0.00793 and 0.01453; gnomAD 0.00838 and 0.00872; TOPMed 0.00855; ESP Exome Variant Server 0.00962.
gnomAD v4.1: 22,326 of 1,614,126 alleles (1.4%); highest among the groups gnomAD compares: Non-Finnish European, 1.8%; 220 homozygotes.

Submissions (4):

CeGaT Center for Human Genetics Tuebingen
Classification: Benign. Last evaluated: 2026-09-01. Review status: criteria provided, single submitter. Criteria: CeGaT Center For Human Genetics Tuebingen Variant Classification Criteria Version 2. Collection method: clinical testing. Allele origin: germline. Affected: yes. Observed: 11 variant alleles.
Comment: NECTIN1: BP4, BS1, BS2

Labcorp Genetics (formerly Invitae), Labcorp
Classification: Benign. Last evaluated: 2026-01-25. Review status: criteria provided, single submitter. Criteria: Invitae Variant Classification Sherloc (09022015). Collection method: clinical testing. Allele origin: germline.

Illumina Laboratory Services, Illumina
Classification: Uncertain significance for Cleft lip/palate-ectodermal dysplasia syndrome. Last evaluated: 2017-04-27. Review status: criteria provided, single submitter. Criteria: ICSL Variant Classification Criteria 13 December 2019. Collection method: clinical testing. Allele origin: germline.
Comment: This variant was observed as part of a predisposition screen in an ostensibly healthy population. A literature search was performed for the gene, cDNA change, and amino acid change (where applicable). Publications were found based on this search. However, the evidence from the literature, in combination with allele frequency data from public databases where available, was not sufficient to rule this variant in or out of causing disease. Therefore, this variant is classified as a variant of unknown significance.

PreventionGenetics, part of Exact Sciences
Classification: Benign for NECTIN1-related condition. Last evaluated: 2020-06-17. Review status: no assertion criteria provided. Collection method: clinical testing. Allele origin: germline. Not counted in ClinVar's aggregate classification.
Comment: This variant is classified as benign based on ACMG/AMP sequence variant interpretation guidelines (Richards et al. 2015 PMID: 25741868, with internal and published modifications).

Literature cited by the submitters: PubMed 19132250 (cited by Illumina Laboratory Services, Illumina); PubMed 12893758 (cited by Illumina Laboratory Services, Illumina); PubMed 11756979 (cited by Illumina Laboratory Services, Illumina); PubMed 18223281 (cited by Illumina Laboratory Services, Illumina); PubMed 17089422 (cited by Illumina Laboratory Services, Illumina); PubMed 19715471 (cited by Illumina Laboratory Services, Illumina); PubMed 16674562 (cited by Illumina Laboratory Services, Illumina); PubMed 16195396 (cited by Illumina Laboratory Services, Illumina); PubMed 24560896 (cited by Illumina Laboratory Services, Illumina); PubMed 23560673 (cited by Illumina Laboratory Services, Illumina).